The following is an entry in ClinVar:

NM_004006.3(DMD):c.7570C>T (p.Arg2524Cys)

Gene: DMD (dystrophin; minus strand). Cytogenetic location: Xp21.1.
Variant type: single nucleotide variant.
Coding change: c.7570C>T on transcript NM_004006.3 (MANE Select); coding-DNA position 7570, C replaced by T.
Protein change: p.Arg2524Cys; replaces arginine 2524 with cysteine.
Molecular consequence: missense variant.
Genome position (GRCh38, 1-based): chrX:31,729,721, G>A on the plus strand (C>T on the coding strand, the complement: DMD is on the minus strand). VCF-style: chrX-31729721-G-A. GRCh37 (hg19) VCF-style: chrX-31747838-G-A.
Other names: c.7546C>T, p.Arg2516Cys (NM_000109.4); c.7558C>T, p.Arg2520Cys (NM_004009.3); c.7201C>T, p.Arg2401Cys (NM_004010.3); c.3547C>T, p.Arg1183Cys (NM_004011.4); c.3538C>T, p.Arg1180Cys (NM_004012.4); c.190C>T, p.Arg64Cys (NM_004013.3, NM_004020.4, NM_004021.3 and 2 more transcripts); short protein forms R2524C, R2401C, R2520C, R1180C, R2516C, R64C, R1183C.
Identifiers: ClinVar variation 287796 (VCV000287796.8), dbSNP rs886043732, ClinGen allele CA10605876.

ClinVar aggregate classification (germline): Uncertain significance. Review status: criteria provided, multiple submitters, no conflicts (2 of 4 stars). 3 submissions from 3 submitters: Uncertain significance (3). Last evaluated 2022-11-07.

Conditions:
Duchenne muscular dystrophy (DMD). Also called: Duchenne Muscular Dystrophy (DMD); MUSCULAR DYSTROPHY, PSEUDOHYPERTROPHIC PROGRESSIVE, DUCHENNE TYPE. Identifiers: Orphanet 98896, MedGen C0013264, MONDO:0010679, OMIM 310200.

Allele frequency attached by ClinVar (database versions not stated): gnomAD exomes 0.00001.

Submissions (3):

GeneDx
Classification: Uncertain significance. Last evaluated: 2022-11-07. Review status: criteria provided, single submitter. Criteria: GeneDx Variant Classification Process June 2021. Collection method: clinical testing. Allele origin: germline. Affected: yes.
Comment: Has not been previously published as pathogenic or benign to our knowledge; In silico analysis supports that this missense variant has a deleterious effect on protein structure/function; Missense variant in a gene in which most reported pathogenic variants are truncating/loss of function

Labcorp Genetics (formerly Invitae), Labcorp
Classification: Uncertain significance for Duchenne muscular dystrophy. Last evaluated: 2022-07-03. Review status: criteria provided, single submitter. Criteria: Invitae Variant Classification Sherloc (09022015). Collection method: clinical testing. Allele origin: germline.
Comment: This sequence change replaces arginine, which is basic and polar, with cysteine, which is neutral and slightly polar, at codon 2524 of the DMD protein (p.Arg2524Cys). This variant is present in population databases (no rsID available, gnomAD 0.005%). This variant has not been reported in the literature in individuals affected with DMD-related conditions. ClinVar contains an entry for this variant (Variation ID: 287796). Algorithms developed to predict the effect of missense changes on protein structure and function (SIFT, PolyPhen-2, Align-GVGD) all suggest that this variant is likely to be disruptive. Algorithms developed to predict the effect of sequence changes on RNA splicing suggest that this variant may create or strengthen a splice site. In summary, the available evidence is currently insufficient to determine the role of this variant in disease. Therefore, it has been classified as a Variant of Uncertain Significance.

Eurofins Ntd Llc (ga)
Classification: Uncertain significance. Last evaluated: 2016-05-25. Review status: criteria provided, single submitter. Criteria: EGL Classification Definitions 2015. Collection method: clinical testing. Allele origin: germline. Observed: 1 variant allele, 1 heterozygote.